The following is an entry in ClinVar:

ClinVar aggregate classification (germline): Pathogenic (1 of 4 stars; one submission).

Conditions:
DICER1-related tumor predisposition. Also called: DICER1 syndrome; DICER1-related pleuropulmonary blastoma cancer predisposition syndrome. Identifiers: Orphanet 284343, MedGen C3839822, MONDO:0100216.

Submission:

Labcorp Genetics (formerly Invitae), Labcorp
Classification: Pathogenic for DICER1-related tumor predisposition. Last evaluated: 2024-04-16. Review status: criteria provided, single submitter. Criteria: Invitae Variant Classification Sherloc (09022015). Collection method: clinical testing. Allele origin: germline.
Comment: This sequence change creates a premature translational stop signal (p.Arg263*) in the DICER1 gene. It is expected to result in an absent or disrupted protein product. Loss-of-function variants in DICER1 are known to be pathogenic (PMID: 19556464, 21266384). This variant is not present in population databases (gnomAD no frequency). This variant has not been reported in the literature in individuals affected with DICER1-related conditions. For these reasons, this variant has been classified as Pathogenic.

Literature cited by the submitters: PubMed 19556464; PubMed 21266384.

NM_177438.3(DICER1):c.787A>T (p.Arg263Ter)

Gene: DICER1 (dicer 1, ribonuclease III; minus strand). Cytogenetic location: 14q32.13.
Variant type: single nucleotide variant.
Coding change: c.787A>T on transcript NM_177438.3 (MANE Select); coding-DNA position 787, A replaced by T.
Protein change: p.Arg263Ter; replaces arginine 263 with a stop codon.
Molecular consequence: nonsense. On other transcripts: 5 prime UTR variant (1), non-coding transcript variant (6).
Genome position (GRCh38, 1-based): chr14:95,126,696, T>A on the plus strand (A>T on the coding strand, the complement: DICER1 is on the minus strand). VCF-style: chr14-95126696-T-A. GRCh37 (hg19) VCF-style: chr14-95593033-T-A.
Other names: c.787A>T, p.Arg263Ter (NM_001395681.1, NM_001395682.1, NM_001395683.1 and 15 more transcripts); c.505A>T, p.Arg169Ter (NM_001395686.1); c.382A>T, p.Arg128Ter (NM_001395687.1, NM_001395688.1, NM_001395689.1 and 3 more transcripts); c.220A>T, p.Arg74Ter (NM_001395691.1); c.-782A>T (NM_001395697.1); short protein forms R128*, R169*, R263*, R74*.
Identifiers: ClinVar variation 2748006 (VCV002748006.3), dbSNP rs1195336111, ClinGen allele CA390887777.